The following is an entry in ClinVar:

NM_182915.3(STEAP3):c.105C>T (p.Pro35=)

Genes: STEAP3 (STEAP3 metalloreductase; plus strand), STEAP3-AS1 (STEAP3 antisense RNA 1; minus strand). Cytogenetic location: 2q14.2.
Variant type: single nucleotide variant.
Coding change: c.105C>T on transcript NM_182915.3 (MANE Select); coding-DNA position 105, C replaced by T.
Protein change: p.Pro35=; no amino-acid change (proline 35 retained).
Molecular consequence: synonymous variant. On other transcripts: non-coding transcript variant (1).
Genome position (GRCh38, 1-based): chr2:119,245,571, C>T. VCF-style: chr2-119245571-C-T. GRCh37 (hg19) VCF-style: chr2-120003147-C-T.
Other names: c.75C>T, p.Pro25= (NM_001008410.2, NM_018234.3, NM_138637.3).
Identifiers: ClinVar variation 3031037 (VCV003031037.2), dbSNP rs1573558431, ClinGen allele CA428406087.
Genomic context (GRCh38, chr2:119,245,571, plus strand): 5'-GGACAAGCCACTGATCAGCCTCCACCTGGTGGACAGCGATAGTAGCCTTGCCAAGGTCCC[C>T]GATGAGGCCCCCAAAGTGGGCATCCTGGGTAGCGGGGACTTTGCCCGCTCCCTGGCCACA-3'
Protein context (NP_878919.2, residues 25-45): VDSDSSLAKV[Pro35=]DEAPKVGILG

ClinVar aggregate classification (germline): Likely benign (0 of 4 stars; one submission).

Conditions:
STEAP3-related disorder. Also called: STEAP3-related condition.

Allele frequency attached by ClinVar (database versions not stated): TOPMed below 0.00001; gnomAD exomes 0.00001.

Submission:

PreventionGenetics, part of Exact Sciences
Classification: Likely benign for STEAP3-related condition. Last evaluated: 2023-08-07. Review status: no assertion criteria provided. Collection method: clinical testing. Allele origin: germline.
Comment: This variant is classified as likely benign based on ACMG/AMP sequence variant interpretation guidelines (Richards et al. 2015 PMID: 25741868, with internal and published modifications).